The following is an entry in ClinVar:

ClinVar aggregate classification (germline): Benign/Likely benign. Review status: criteria provided, multiple submitters, no conflicts (2 of 4 stars). 4 submissions from 4 submitters: Benign (2); Likely benign (2). Last evaluated 2018-06-16.

Allele frequency attached by ClinVar (database versions not stated): 1000 Genomes Project 30x 0.04450; 1000 Genomes Project 0.04732; ESP Exome Variant Server 0.00139; gnomAD 0.00672 and 0.01116; TOPMed 0.01079; gnomAD exomes 0.01267 and 0.02762; ExAC 0.03763.
gnomAD v4.1: 19,395 of 1,538,340 alleles (1.3%); highest among the groups gnomAD compares: East Asian, 18%; 1,155 homozygotes.

Submissions (4):

GeneDx
Classification: Benign. Last evaluated: 2018-06-16. Review status: criteria provided, single submitter. Criteria: GeneDx Variant Classification (06012015). Collection method: clinical testing. Allele origin: germline. Affected: yes.
Comment: This variant is considered likely benign or benign based on one or more of the following criteria: it is a conservative change, it occurs at a poorly conserved position in the protein, it is predicted to be benign by multiple in silico algorithms, and/or has population frequency not consistent with disease.

Eurofins Ntd Llc (ga)
Classification: Benign. Last evaluated: 2012-09-05. Review status: criteria provided, single submitter. Criteria: EGL Classification Definitions 2015. Collection method: clinical testing. Allele origin: germline. Observed: 1 variant allele, 1 heterozygote.

Breakthrough Genomics
Classification: Likely benign. Review status: criteria provided, single submitter. Criteria: ACMG Guidelines, 2015. Collection method: not provided. Allele origin: germline. Inheritance: Autosomal recessive inheritance. Affected: yes.

PreventionGenetics, part of Exact Sciences
Classification: Likely benign. Review status: criteria provided, single submitter. Criteria: ACMG Guidelines, 2015. Collection method: clinical testing. Allele origin: germline.

NM_001848.3(COL6A1):c.588+37A>G

Gene: COL6A1 (collagen type VI alpha 1 chain; plus strand). Cytogenetic location: 21q22.3.
Variant type: single nucleotide variant.
Coding change: c.588+37A>G on transcript NM_001848.3 (MANE Select); 37 bases into the intron after coding-DNA position 588, A replaced by G.
Molecular consequence: intron variant.
Genome position (GRCh38, 1-based): chr21:45,986,722, A>G. VCF-style: chr21-45986722-A-G. GRCh37 (hg19) VCF-style: chr21-47406636-A-G.
Identifiers: ClinVar variation 93881 (VCV000093881.7), dbSNP rs117470181, ClinGen allele CA147412.